The following is an entry in ClinVar:

ClinVar aggregate classification (germline): Uncertain significance. Review status: criteria provided, multiple submitters, no conflicts (2 of 4 stars). 2 submissions from 2 submitters: Uncertain significance (2). Last evaluated 2025-04-09.

Conditions:
Cardiovascular phenotype. Identifiers: MedGen CN230736.

Submissions (2):

Molecular Diagnostic Laboratory for Inherited Cardiovascular Disease, Montreal Heart Institute
Classification: Uncertain significance for Cardiovascular phenotype. Last evaluated: 2025-04-09. Review status: criteria provided, single submitter. Criteria: ACMG Guidelines, 2015. Collection method: clinical testing. Allele origin: germline. Affected: yes.
Comment: PM2

Blueprint Genetics
Classification: Uncertain significance. Last evaluated: 2023-05-25. Review status: criteria provided, single submitter. Criteria: ACMG Guidelines, 2015. Collection method: clinical testing. Allele origin: germline.

NM_001281740.3(FHOD3):c.1850G>C (p.Gly617Ala)

Gene: FHOD3 (formin homology 2 domain containing 3; plus strand). Cytogenetic location: 18q12.2.
Variant type: single nucleotide variant.
Coding change: c.1850G>C on transcript NM_001281740.3 (MANE Select); coding-DNA position 1850, G replaced by C.
Protein change: p.Gly617Ala; replaces glycine 617 with alanine.
Molecular consequence: missense variant.
Genome position (GRCh38, 1-based): chr18:36,681,450, G>C. VCF-style: chr18-36681450-G-C. GRCh37 (hg19) VCF-style: chr18-34261413-G-C.
Other names: c.1325G>C, p.Gly442Ala (NM_001281739.3, NM_025135.5); short protein forms G442A, G617A.
Identifiers: ClinVar variation 3895365 (VCV003895365.2), dbSNP rs775047283.
Genomic context (GRCh38, chr18:36,681,450, plus strand): 5'-TAATCACAGGCCAAGCAACTGAAACATTAACTCATTGTATCTCCAGGTCATCACCGAGTG[G>C]TCTTCTCACATCATCCTTCAGGCAGCACCAAGAGTCACTGGCAGCAGAGAGAGAGAGGCG-3'
Protein context (NP_001268669.1, residues 607-627): EARLERSSPS[Gly617Ala]LLTSSFRQHQ